The following is an entry in ClinVar:

ClinVar aggregate classification (germline): Uncertain significance. Review status: criteria provided, multiple submitters, no conflicts (2 of 4 stars). 7 submissions from 7 submitters: Uncertain significance (7). Last evaluated 2025-09-29.

Conditions:
APC-related disorder. Also called: APC-related condition.
Desmoid disease, hereditary (DESMD). Also called: FIBROMATOSIS, FAMILIAL INFILTRATIVE. Identifiers: Orphanet 873, MedGen C1851124, OMIM 135290. Disease mechanism: loss of function.
Gastric cancer. Also called: Stomach cancer; Malignant tumor of stomach. Identifiers: MedGen C0024623, MeSH D013274, MONDO:0001056, OMIM 613659, HP:0012126.
Familial adenomatous polyposis 1 (FAP1). Also called: POLYPOSIS, ADENOMATOUS INTESTINAL; FAMILIAL ADENOMATOUS POLYPOSIS 1, ATTENUATED. Identifiers: MedGen C2713442, MONDO:0021056, OMIM 175100. Disease mechanism: loss of function.
Gastric adenocarcinoma and proximal polyposis of the stomach (GAPPS). Also called: Polyposis, gastric, Dos Santos and de Magalhaes 1980; POLYPOSIS, GASTRIC; Gastric Adenocarcinoma and Proximal Polyposis of the Stomach (GAPPS). Identifiers: Orphanet 314022, MedGen C4749917, MONDO:0017790, OMIM 619182.
Hepatocellular carcinoma (HCC). Also called: Primary carcinoma of liver; HEPATOMA; LIVER CELL CARCINOMA. Identifiers: Orphanet 88673, MedGen C2239176, MONDO:0007256, OMIM 114550, HP:0001402.
Colorectal cancer. Also called: Colorectal cancer, somatic; Malignant Colorectal Neoplasm. Identifiers: MedGen C0346629, MONDO:0005575, OMIM 114500.
Classic or attenuated familial adenomatous polyposis. Identifiers: MedGen CN372698, MONDO:0021057.
Hereditary cancer-predisposing syndrome. Also called: Neoplastic Syndromes, Hereditary; Hereditary neoplastic syndrome; Hereditary Cancer Syndrome; Tumor predisposition. Identifiers: Orphanet 140162, MedGen C0027672, MeSH D009386, MONDO:0015356.

Allele frequency attached by ClinVar (database versions not stated): gnomAD exomes below 0.00001.
gnomAD v4.1: 1 of 1,613,826 alleles (0.000062%); highest among the groups gnomAD compares: African/African-American, 0.0013%; no homozygotes.

Submissions (7):

Labcorp Genetics (formerly Invitae), Labcorp
Classification: Uncertain significance for Familial adenomatous polyposis 1. Last evaluated: 2025-09-29. Review status: criteria provided, single submitter. Criteria: Invitae Variant Classification Sherloc (09022015). Collection method: clinical testing. Allele origin: germline.
Comment: This sequence change replaces methionine, which is neutral and non-polar, with valine, which is neutral and non-polar, at codon 2373 of the APC protein (p.Met2373Val). This variant is not present in population databases (gnomAD no frequency). This variant has not been reported in the literature in individuals affected with APC-related conditions. ClinVar contains an entry for this variant (Variation ID: 246357). Invitae Evidence Modeling of protein sequence and biophysical properties (such as structural, functional, and spatial information, amino acid conservation, physicochemical variation, residue mobility, and thermodynamic stability) indicates that this missense variant is not expected to disrupt APC protein function with a negative predictive value of 95%. In summary, the available evidence is currently insufficient to determine the role of this variant in disease. Therefore, it has been classified as a Variant of Uncertain Significance.

Color Diagnostics, LLC DBA Color Health
Classification: Uncertain significance for Hereditary cancer-predisposing syndrome. Last evaluated: 2025-06-23. Review status: criteria provided, single submitter. Criteria: ACMG Guidelines, 2015. Collection method: clinical testing. Allele origin: germline.
Comment: This missense variant replaces methionine with valine at codon 2373 of the APC protein. Computational prediction suggests that this variant may not impact protein structure and function. To our knowledge, functional studies have not been reported for this variant. This variant has not been reported in individuals affected with APC-related disorders in the literature. This variant has not been identified in the general population by the Genome Aggregation Database (gnomAD). The available evidence is insufficient to determine the role of this variant in disease conclusively. Therefore, this variant is classified as a Variant of Uncertain Significance.

Fulgent Genetics
Classification: Uncertain significance for Colorectal cancer; Hepatocellular carcinoma; Desmoid disease, hereditary; Familial adenomatous polyposis 1; Gastric cancer; Gastric adenocarcinoma and proximal polyposis of the stomach. Last evaluated: 2024-06-18. Review status: criteria provided, single submitter. Criteria: ACMG Guidelines, 2015. Collection method: clinical testing. Allele origin: germline.

All of Us Research Program, National Institutes of Health
Classification: Uncertain significance for Classic or attenuated familial adenomatous polyposis. Last evaluated: 2024-02-05. Review status: criteria provided, single submitter. Criteria: ACMG Guidelines, 2015. Collection method: clinical testing. Allele origin: germline. Inheritance: Autosomal dominant inheritance. Observed: 1 variant allele, 1 heterozygote.
Comment: This missense variant replaces methionine with valine at codon 2373 of the APC protein. Computational prediction suggests that this variant may not impact protein structure and function (internally defined REVEL score threshold <= 0.5, PMID: 27666373). To our knowledge, functional studies have not been reported for this variant. This variant has not been reported in individuals affected with APC-related disorders in the literature. This variant has not been identified in the general population by the Genome Aggregation Database (gnomAD). The available evidence is insufficient to determine the role of this variant in disease conclusively. Therefore, this variant is classified as a Variant of Uncertain Significance.

This study involves interpretation of variants in research participants for the purpose of population health screening. Participant phenotype was not available at the time of variant classification. Additional details can be found in publication PMID: 35346344, PMCID: PMC8962531

GeneDx
Classification: Uncertain significance. Last evaluated: 2023-12-28. Review status: criteria provided, single submitter. Criteria: GeneDx Variant Classification Process June 2021. Collection method: clinical testing. Allele origin: germline. Affected: yes.
Comment: Not observed at significant frequency in large population cohorts (gnomAD); In silico analysis supports that this missense variant does not alter protein structure/function; Has not been previously published as pathogenic or benign to our knowledge; This variant is associated with the following publications: (PMID: 18199528)

Ambry Genetics
Classification: Uncertain significance for Hereditary cancer-predisposing syndrome. Last evaluated: 2023-05-15. Review status: criteria provided, single submitter. Criteria: Ambry Variant Classification Scheme 2023. Collection method: clinical testing. Allele origin: germline.
Comment: The p.M2373V variant (also known as c.7117A>G), located in coding exon 15 of the APC gene, results from an A to G substitution at nucleotide position 7117. The methionine at codon 2373 is replaced by valine, an amino acid with highly similar properties. This amino acid position is not well conserved in available vertebrate species. In addition, in silico predictors for this gene do not accurately predict pathogenicity. Since supporting evidence is limited at this time, the clinical significance of this alteration remains unclear.

PreventionGenetics, part of Exact Sciences
Classification: Uncertain significance for APC-related condition. Last evaluated: 2022-08-27. Review status: criteria provided, single submitter. Criteria: ACMG Guidelines, 2015. Collection method: clinical testing. Allele origin: germline.
Comment: The APC c.7117A>G variant is predicted to result in the amino acid substitution p.Met2373Val. To our knowledge, this variant has not been reported in the literature or in a large population database, indicating this variant is rare. At this time, the clinical significance of this variant is uncertain due to the absence of conclusive functional and genetic evidence.

NM_000038.6(APC):c.7117A>G (p.Met2373Val)

Gene: APC (APC regulator of Wnt signaling pathway; plus strand). Cytogenetic location: 5q22.2.
Variant type: single nucleotide variant.
Coding change: c.7117A>G on transcript NM_000038.6 (MANE Select); coding-DNA position 7117, A replaced by G.
Protein change: p.Met2373Val; replaces methionine 2373 with valine.
Molecular consequence: missense variant.
Genome position (GRCh38, 1-based): chr5:112,842,711, A>G. VCF-style: chr5-112842711-A-G. GRCh37 (hg19) VCF-style: chr5-112178408-A-G.
Other names: c.7117A>G, p.Met2373Val (NM_001127510.3, NM_001354895.2); c.7063A>G, p.Met2355Val (NM_001127511.3); c.7171A>G, p.Met2391Val (NM_001354896.2); c.7147A>G, p.Met2383Val (NM_001354897.2); c.7042A>G, p.Met2348Val (NM_001354898.2); c.7033A>G, p.Met2345Val (NM_001354899.2); c.6994A>G, p.Met2332Val (NM_001354900.2); c.6940A>G, p.Met2314Val (NM_001354901.2); and 5 more; short protein forms M2355V, M2373V, M2348V, M2090V, M2391V, M2213V, M2272V, M2332V.
Identifiers: ClinVar variation 246357 (VCV000246357.25), dbSNP rs879254221, ClinGen allele CA10584263.
Genomic context (GRCh38, chr5:112,842,711, plus strand): 5'-ACTGCTTCAACTAAGTCCTCAGGTTCTGGAAAAATGTCATATACATCTCCAGGTAGACAG[A>G]TGAGCCAACAGAACCTTACCAAACAAACAGGTTTATCCAAGAATGCCAGTAGTATTCCAA-3'
Protein context (NP_000029.2, residues 2363-2383): KMSYTSPGRQ[Met2373Val]SQQNLTKQTG